The following is an entry in ClinVar:

ClinVar aggregate classification (germline): Conflicting classifications of pathogenicity. Review status: criteria provided, conflicting classifications (1 of 4 stars). 16 submissions from 15 submitters: Uncertain significance (1); Benign (3); Likely benign (9). 3 of the submissions do not count toward it. Last evaluated 2026-09-01.

Conditions:
Cardiovascular phenotype. Identifiers: MedGen CN230736.
Connective tissue disorder. Also called: Connective tissue disease. Identifiers: MedGen C0009782, MONDO:0003900.
Familial thoracic aortic aneurysm and aortic dissection (TAAD). Also called: Thoracic aortic aneurysms and dissections. Identifiers: Orphanet 91387, MedGen C4707243, MONDO:0019625.
Aortic aneurysm, familial thoracic 4 (AAT4). Also called: AORTIC ANEURYSM/AORTIC DISSECTION AND PATENT DUCTUS ARTERIOSUS. Identifiers: MedGen C1851504, MONDO:0007568, OMIM 132900.

Allele frequency attached by ClinVar (database versions not stated): 1000 Genomes Project 0.00040; gnomAD 0.00056 and 0.00057; gnomAD exomes 0.00058; ExAC 0.00059; TOPMed 0.00069; 1000 Genomes Project 30x 0.00078; ESP Exome Variant Server 0.00085.
gnomAD v4.1: 1,323 of 1,614,132 alleles (0.082%); highest among the groups gnomAD compares: Non-Finnish European, 0.094%; 1 homozygote.

Submissions (16):

CeGaT Center for Human Genetics Tuebingen
Classification: Likely benign. Last evaluated: 2026-09-01. Review status: criteria provided, single submitter. Criteria: CeGaT Center For Human Genetics Tuebingen Variant Classification Criteria Version 2. Collection method: clinical testing. Allele origin: germline. Affected: yes. Observed: 13 variant alleles.
Comment: MYH11: BP4, BP7

Molecular Diagnostic Laboratory for Inherited Cardiovascular Disease, Montreal Heart Institute
Classification: Likely benign. Last evaluated: 2026-03-27. Review status: criteria provided, single submitter. Criteria: ACMG Guidelines, 2015. Collection method: clinical testing. Allele origin: germline. Affected: no.
Comment: BS1;BP7

Labcorp Genetics (formerly Invitae), Labcorp
Classification: Likely benign for Aortic aneurysm, familial thoracic 4. Last evaluated: 2026-01-31. Review status: criteria provided, single submitter. Criteria: Invitae Variant Classification Sherloc (09022015). Collection method: clinical testing. Allele origin: germline.

ARUP Laboratories, Molecular Genetics and Genomics, ARUP Laboratories
Classification: Likely benign. Last evaluated: 2025-06-27. Review status: criteria provided, single submitter. Criteria: ARUP Molecular Germline Variant Investigation Process 2024. Collection method: clinical testing. Allele origin: germline.

Blueprint Genetics
Classification: Likely benign. Last evaluated: 2024-11-26. Review status: criteria provided, single submitter. Criteria: ACMG Guidelines, 2015. Collection method: clinical testing. Allele origin: germline.

All of Us Research Program, National Institutes of Health
Classification: Benign for Familial thoracic aortic aneurysm and aortic dissection. Last evaluated: 2024-02-05. Review status: criteria provided, single submitter. Criteria: ACMG Guidelines, 2015. Collection method: clinical testing. Allele origin: germline. Inheritance: Autosomal dominant inheritance. Observed: 239 variant alleles, 239 heterozygotes.
Comment: This study involves interpretation of variants in research participants for the purpose of population health screening. Participant phenotype was not available at the time of variant classification. Additional details can be found in publication PMID: 35346344, PMCID: PMC8962531

Center for Human Genetics, Inc
Classification: Likely benign for Connective tissue disorder. Last evaluated: 2018-06-01. Review status: criteria provided, single submitter. Criteria: ACMG Guidelines, 2015. Collection method: clinical testing. Allele origin: germline. Affected: yes.

Color Diagnostics, LLC DBA Color Health
Classification: Benign for Familial thoracic aortic aneurysm and aortic dissection. Last evaluated: 2018-04-07. Review status: criteria provided, single submitter. Criteria: ACMG Guidelines, 2015. Collection method: clinical testing. Allele origin: germline.

Illumina Laboratory Services, Illumina
Classification: Uncertain significance for Aortic aneurysm, familial thoracic 4. Last evaluated: 2018-01-12. Review status: criteria provided, single submitter. Criteria: ICSL Variant Classification Criteria 13 December 2019. Collection method: clinical testing. Allele origin: germline.

Clinical Genetics DNA and cytogenetics Diagnostics Lab, Erasmus MC, Erasmus Medical Center
Classification: Likely benign for Aortic aneurysm, familial thoracic 4. Last evaluated: 2017-06-28. Review status: criteria provided, single submitter. Criteria: ACGS Guidelines, 2013. Collection method: clinical testing. Allele origin: germline. Affected: yes. Study: VKGL Data-share Consensus.

Ambry Genetics
Classification: Likely benign for Familial thoracic aortic aneurysm and aortic dissection. Last evaluated: 2015-07-28. Review status: criteria provided, single submitter. Criteria: Ambry Autosomal Dominant and X-Linked criteria (10/2015). Collection method: clinical testing. Allele origin: germline. Observed: 1 variant allele.

Ambry Genetics
Classification: Likely benign for Cardiovascular phenotype. Last evaluated: 2015-02-24. Review status: criteria provided, single submitter. Criteria: Ambry Autosomal Dominant and X-Linked criteria (10/2015). Collection method: clinical testing. Allele origin: germline. Observed: 1 variant allele.

GeneDx
Classification: Benign. Last evaluated: 2014-01-04. Review status: criteria provided, single submitter. Criteria: GeneDx Variant Classification (06012015). Collection method: clinical testing. Allele origin: germline. Affected: yes.
Comment: This variant is considered likely benign or benign based on one or more of the following criteria: it is a conservative change, it occurs at a poorly conserved position in the protein, it is predicted to be benign by multiple in silico algorithms, and/or has population frequency not consistent with disease.

Genome Diagnostics Laboratory, Amsterdam University Medical Center
Classification: Likely benign for Aortic aneurysm, familial thoracic 4. Last evaluated: 2015-03-23. Review status: no assertion criteria provided. Criteria: ACGS Guidelines, 2013. Collection method: clinical testing. Allele origin: germline. Affected: yes. Study: VKGL Data-share Consensus. Not counted in ClinVar's aggregate classification.

Genome Diagnostics Laboratory, University Medical Center Utrecht
Classification: Likely benign. Review status: no assertion criteria provided. Collection method: clinical testing. Allele origin: germline. Affected: yes. Study: VKGL Data-share Consensus. Not counted in ClinVar's aggregate classification.

Joint Genome Diagnostic Labs from Nijmegen and Maastricht, Radboudumc and MUMC+
Classification: Benign. Review status: no assertion criteria provided. Collection method: clinical testing. Allele origin: germline. Affected: yes. Study: VKGL Data-share Consensus. Not counted in ClinVar's aggregate classification.

NM_002474.3(MYH11):c.12G>A (p.Lys4=)

Gene: MYH11 (myosin heavy chain 11; minus strand). Cytogenetic location: 16p13.11.
Variant type: single nucleotide variant.
Coding change: c.12G>A on transcript NM_002474.3 (MANE Select); coding-DNA position 12, G replaced by A.
Protein change: p.Lys4=; no amino-acid change (lysine 4 retained).
Molecular consequence: synonymous variant.
Genome position (GRCh38, 1-based): chr16:15,838,241, C>T on the plus strand (G>A on the coding strand, the complement: MYH11 is on the minus strand). VCF-style: chr16-15838241-C-T. GRCh37 (hg19) VCF-style: chr16-15932098-C-T.
Other names: p.K4K:AAG>AAA; c.12G>A, p.Lys4= (NM_001040113.2, NM_001040114.2, NM_022844.3).
Identifiers: ClinVar variation 138362 (VCV000138362.72), dbSNP rs112650390, ClinGen allele CA292342.
Genomic context (GRCh38, chr16:15,838,241, plus strand): 5'-TGGGCTGTTGATGAAGTTTTTGTCCACAAAGAGGAACTTCTCATCGTCACTGAGTTGGCC[C>T]TTCTGCGCCATGGTGCCTTGTTGGTCCCCTGTGGAATAAGGTAACAGGGTCAGAATCAGA-3'
Protein context (NP_002465.1, residues 1-14): MAQ[Lys4=]GQLSDDEKFL